The following is an entry in ClinVar:

NM_002778.4(PSAP):c.1336C>G (p.Pro446Ala)

Gene: PSAP (prosaposin; minus strand). Cytogenetic location: 10q22.1.
Variant type: single nucleotide variant.
Coding change: c.1336C>G on transcript NM_002778.4 (MANE Select); coding-DNA position 1336, C replaced by G.
Protein change: p.Pro446Ala; replaces proline 446 with alanine.
Molecular consequence: missense variant.
Genome position (GRCh38, 1-based): chr10:71,819,479, G>C on the plus strand (C>G on the coding strand, the complement: PSAP is on the minus strand). VCF-style: chr10-71819479-G-C. GRCh37 (hg19) VCF-style: chr10-73579236-G-C.
Other names: c.1345C>G, p.Pro449Ala (NM_001042465.3); c.1342C>G, p.Pro448Ala (NM_001042466.3); short protein forms P446A, P449A, P448A.
Identifiers: ClinVar variation 2142697 (VCV002142697.4), dbSNP rs1183274613, ClinGen allele CA377142440.
Genomic context (GRCh38, chr10:71,819,479, plus strand): 5'-TCAGGTTCTGCCATGCTGGCCTACCGCAGCCCAGCCCGGGGCGTACCTGCTTCTGGTAAG[G>C]GTCTGGCAGGAAGCTGCAGCCTTTCTCAAGAGCAGCCAGGATCTCCTGCTTGGTGCTGTT-3'
Protein context (NP_002769.1, residues 436-456): LEKGCSFLPD[Pro446Ala]YQKQCDQFVA

ClinVar aggregate classification (germline): Uncertain significance (1 of 4 stars; one submission).

Conditions:
Sphingolipid activator protein 1 deficiency. Also called: Saposin B Deficiency; METACHROMATIC LEUKODYSTROPHY DUE TO CEREBROSIDE SULFATASE ACTIVATOR DEFICIENCY; Metachromatic leukodystrophy due to saposin B deficiency. Identifiers: Orphanet 512, MedGen C0268262, MONDO:0009590, OMIM 249900.

Submission:

Labcorp Genetics (formerly Invitae), Labcorp
Classification: Uncertain significance for Sphingolipid activator protein 1 deficiency. Last evaluated: 2022-05-03. Review status: criteria provided, single submitter. Criteria: Invitae Variant Classification Sherloc (09022015). Collection method: clinical testing. Allele origin: germline.
Comment: In summary, the available evidence is currently insufficient to determine the role of this variant in disease. Therefore, it has been classified as a Variant of Uncertain Significance. Algorithms developed to predict the effect of missense changes on protein structure and function are either unavailable or do not agree on the potential impact of this missense change (SIFT: "Not Available"; PolyPhen-2: "Benign"; Align-GVGD: "Not Available"). This variant has not been reported in the literature in individuals affected with PSAP-related conditions. This variant is present in population databases (no rsID available, gnomAD 0.0009%). This sequence change replaces proline, which is neutral and non-polar, with alanine, which is neutral and non-polar, at codon 446 of the PSAP protein (p.Pro446Ala).